The following is an entry in ClinVar:

ClinVar aggregate classification (germline): Uncertain significance (1 of 4 stars; one submission).

Conditions:
Charcot-Marie-Tooth disease type 4. Also called: Charcot-Marie-Tooth disease, type IV; Charcot-Marie-Tooth, Type 4. Identifiers: Orphanet 64749, MedGen C4082197, MONDO:0018995.

Allele frequency attached by ClinVar (database versions not stated): gnomAD 0.00001; gnomAD exomes 0.00001 and 0.00002; TOPMed 0.00001; ExAC 0.00002.
gnomAD v4.1: 22 of 1,614,098 alleles (0.0014%); highest among the groups gnomAD compares: Non-Finnish European, 0.0017%; no homozygotes.

Submission:

Labcorp Genetics (formerly Invitae), Labcorp
Classification: Uncertain significance for Charcot-Marie-Tooth disease type 4. Last evaluated: 2020-09-17. Review status: criteria provided, single submitter. Criteria: Invitae Variant Classification Sherloc (09022015). Collection method: clinical testing. Allele origin: germline.
Comment: In summary, the available evidence is currently insufficient to determine the role of this variant in disease. Therefore, it has been classified as a Variant of Uncertain Significance. Algorithms developed to predict the effect of missense changes on protein structure and function output the following: SIFT: "Tolerated"; PolyPhen-2: "Benign"; Align-GVGD: "Class C0". The isoleucine amino acid residue is found in multiple mammalian species, suggesting that this missense change does not adversely affect protein function. These predictions have not been confirmed by published functional studies and their clinical significance is uncertain. This variant has not been reported in the literature in individuals with PRX-related conditions. This variant is present in population databases (rs770109023, ExAC 0.005%). This sequence change replaces methionine with isoleucine at codon 758 of the PRX protein (p.Met758Ile). The methionine residue is weakly conserved and there is a small physicochemical difference between methionine and isoleucine.

NM_181882.3(PRX):c.2274G>T (p.Met758Ile)

Gene: PRX (periaxin; minus strand). Cytogenetic location: 19q13.2.
Variant type: single nucleotide variant.
Coding change: c.2274G>T on transcript NM_181882.3 (MANE Select); coding-DNA position 2274, G replaced by T.
Protein change: p.Met758Ile; replaces methionine 758 with isoleucine.
Molecular consequence: missense variant. On other transcripts: 3 prime UTR variant (1).
Genome position (GRCh38, 1-based): chr19:40,396,078, C>A on the plus strand (G>T on the coding strand, the complement: PRX is on the minus strand). VCF-style: chr19-40396078-C-A. GRCh37 (hg19) VCF-style: chr19-40901985-C-A.
Other names: c.*2479G>T (NM_020956.2); short protein forms M758I.
Identifiers: ClinVar variation 860812 (VCV000860812.7), dbSNP rs770109023, ClinGen allele CA9444089.